The following is an entry in ClinVar:

NM_005732.4(RAD50):c.3015A>T (p.Arg1005Ser)

Gene: RAD50 (RAD50 double strand break repair protein; plus strand). Cytogenetic location: 5q31.1.
Variant type: single nucleotide variant.
Coding change: c.3015A>T on transcript NM_005732.4 (MANE Select); coding-DNA position 3015, A replaced by T.
Protein change: p.Arg1005Ser; replaces arginine 1005 with serine.
Molecular consequence: missense variant.
Genome position (GRCh38, 1-based): chr5:132,609,375, A>T. VCF-style: chr5-132609375-A-T. GRCh37 (hg19) VCF-style: chr5-131945067-A-T.
Other names: c.3015A>T (NM_005732.3); short protein forms R1005S.
Identifiers: ClinVar variation 1973619 (VCV001973619.6), dbSNP rs2479371784, ClinGen allele CA360960976.

ClinVar aggregate classification (germline): Uncertain significance. Review status: criteria provided, multiple submitters, no conflicts (2 of 4 stars). 2 submissions from 2 submitters: Uncertain significance (2). Last evaluated 2024-09-06.

Conditions:
Hereditary cancer-predisposing syndrome. Also called: Hereditary Cancer Syndrome; Neoplastic Syndromes, Hereditary; Tumor predisposition; Hereditary neoplastic syndrome. Identifiers: Orphanet 140162, MedGen C0027672, MeSH D009386, MONDO:0015356.

Allele frequency attached by ClinVar (database versions not stated): gnomAD exomes below 0.00001.
gnomAD v4.1: 4 of 1,613,836 alleles (0.00025%); highest among the groups gnomAD compares: African/African-American, 0.0013%; no homozygotes.

Submissions (2):

Ambry Genetics
Classification: Uncertain significance for Hereditary cancer-predisposing syndrome. Last evaluated: 2024-09-06. Review status: criteria provided, single submitter. Criteria: Ambry Variant Classification Scheme 2023. Collection method: clinical testing. Allele origin: germline.
Comment: The p.R1005S variant (also known as c.3015A>T), located in coding exon 19 of the RAD50 gene, results from an A to T substitution at nucleotide position 3015. The arginine at codon 1005 is replaced by serine, an amino acid with dissimilar properties. This amino acid position is conserved. In addition, this alteration is predicted to be deleterious by in silico analysis. Based on the available evidence, the clinical significance of this variant remains unclear.

Labcorp Genetics (formerly Invitae), Labcorp
Classification: Uncertain significance for Hereditary cancer-predisposing syndrome. Last evaluated: 2023-04-28. Review status: criteria provided, single submitter. Criteria: Invitae Variant Classification Sherloc (09022015). Collection method: clinical testing. Allele origin: germline.
Comment: This sequence change replaces arginine, which is basic and polar, with serine, which is neutral and polar, at codon 1005 of the RAD50 protein (p.Arg1005Ser). This variant is not present in population databases (gnomAD no frequency). Advanced modeling of protein sequence and biophysical properties (such as structural, functional, and spatial information, amino acid conservation, physicochemical variation, residue mobility, and thermodynamic stability) has been performed at Invitae for this missense variant, however the output from this modeling did not meet the statistical confidence thresholds required to predict the impact of this variant on RAD50 protein function. ClinVar contains an entry for this variant (Variation ID: 1973619). This variant has not been reported in the literature in individuals affected with RAD50-related conditions. In summary, the available evidence is currently insufficient to determine the role of this variant in disease. Therefore, it has been classified as a Variant of Uncertain Significance.